The following is an entry in ClinVar:

NM_005472.5(KCNE3):c.128C>T (p.Thr43Ile)

Gene: KCNE3 (potassium voltage-gated channel subfamily E regulatory subunit 3; minus strand). Cytogenetic location: 11q13.4.
Variant type: single nucleotide variant.
Coding change: c.128C>T on transcript NM_005472.5 (MANE Select); coding-DNA position 128, C replaced by T.
Protein change: p.Thr43Ile; replaces threonine 43 with isoleucine.
Molecular consequence: missense variant.
Genome position (GRCh38, 1-based): chr11:74,457,436, G>A on the plus strand (C>T on the coding strand, the complement: KCNE3 is on the minus strand). VCF-style: chr11-74457436-G-A. GRCh37 (hg19) VCF-style: chr11-74168481-G-A.
Other names: short protein forms T43I.
Identifiers: ClinVar variation 3532253 (VCV003532253.1).
Genomic context (GRCh38, chr11:74,457,436, plus strand): 5'-AAGAGAATGTACATGTAGGAGTTGTCATCACGGCCAGGTAGGCTGGCCCGCCTCTCTTCA[G>A]TCTGGTTGTCTGGCCCCAGCCCTGGCCCTGGCCGGCAGAGCAAATTGCTGTGAAGAGTGG-3'
Protein context (NP_005463.1, residues 33-53): PGPGLGPDNQ[Thr43Ile]EERRASLPGR

ClinVar aggregate classification (germline): Uncertain significance (1 of 4 stars; one submission).

Conditions:
Cardiovascular phenotype. Identifiers: MedGen CN230736.

gnomAD v4.1: 1 of 1,613,982 alleles (0.000062%); highest among the groups gnomAD compares: Admixed American, 0.0017%; no homozygotes.

Submission:

Ambry Genetics
Classification: Uncertain significance for Cardiovascular phenotype. Last evaluated: 2024-08-19. Review status: criteria provided, single submitter. Criteria: Ambry Variant Classification Scheme 2023. Collection method: clinical testing. Allele origin: germline.
Comment: The p.T43I variant (also known as c.128C>T), located in coding exon 1 of the KCNE3 gene, results from a C to T substitution at nucleotide position 128. The threonine at codon 43 is replaced by isoleucine, an amino acid with similar properties. This amino acid position is conserved. In addition, this alteration is predicted to be tolerated by in silico analysis. Based on the available evidence, the clinical significance of this variant remains unclear.